The following is an entry in ClinVar:

ClinVar aggregate classification (germline): Likely benign (1 of 4 stars; one submission).

Conditions:
LRPAP1-related disorder. Also called: LRPAP1-related condition.

Submission:

PreventionGenetics, part of Exact Sciences
Classification: Likely benign for LRPAP1-related condition. Last evaluated: 2026-03-26. Review status: criteria provided, single submitter. Criteria: ACMG Guidelines, 2015. Collection method: clinical testing. Allele origin: germline.
Comment: This variant is classified as likely benign based on ACMG/AMP sequence variant interpretation guidelines (Richards et al. 2015 PMID: 25741868, with internal and published modifications).

NM_002337.4(LRPAP1):c.205-4G>A

Gene: LRPAP1 (LDL receptor related protein associated protein 1; minus strand). Cytogenetic location: 4p16.3.
Variant type: single nucleotide variant.
Coding change: c.205-4G>A on transcript NM_002337.4 (MANE Select); 4 bases into the intron before coding-DNA position 205, G replaced by A.
Molecular consequence: intron variant.
Genome position (GRCh38, 1-based): chr4:3,525,055, C>T on the plus strand (G>A on the coding strand, the complement: LRPAP1 is on the minus strand). VCF-style: chr4-3525055-C-T. GRCh37 (hg19) VCF-style: chr4-3526782-C-T.
Identifiers: ClinVar variation 4977616 (VCV004977616.1).
Genomic context (GRCh38, chr4:3,525,055, plus strand): 5'-CTCCTGTATCTTCAGATCAGCGTGGAGCTCGGCCAGCCTCACGGGAGGAAGATGCAGCTG[C>T]GAACGAAGGGGAGGAGCCTGTGAGCCACGAGCAGGACGGACCAGGACACAGCGAGAAACT-3'